The following is an entry in ClinVar:

ClinVar aggregate classification (germline): Conflicting classifications of pathogenicity. Review status: criteria provided, conflicting classifications (1 of 4 stars). 7 submissions from 7 submitters: Uncertain significance (4); Likely benign (3). Last evaluated 2024-11-05.

Conditions:
Inborn genetic diseases. Identifiers: MedGen C0950123, MeSH D030342.
Fanconi anemia (FA). Also called: Fanconi's anemia. Identifiers: Orphanet 84, MedGen C0015625, MeSH D005199, MONDO:0019391.
Fanconi anemia complementation group F. Also called: FANCF-Related Fanconi Anemia. Identifiers: Orphanet 84, MedGen C3469526, MONDO:0011325, OMIM 603467.

Allele frequency attached by ClinVar (database versions not stated): gnomAD 0.00021 and 0.00024; TOPMed 0.00032; ESP Exome Variant Server 0.00038; 1000 Genomes Project 0.00040; 1000 Genomes Project 30x 0.00062.
gnomAD v4.1: 158 of 1,614,108 alleles (0.0098%); highest among the groups gnomAD compares: Middle Eastern, 0.25%; no homozygotes.

Submissions (7):

Labcorp Genetics (formerly Invitae), Labcorp
Classification: Uncertain significance for Fanconi anemia. Last evaluated: 2024-11-05. Review status: criteria provided, single submitter. Criteria: Invitae Variant Classification Sherloc (09022015). Collection method: clinical testing. Allele origin: germline.
Comment: This sequence change replaces serine, which is neutral and polar, with arginine, which is basic and polar, at codon 191 of the FANCF protein (p.Ser191Arg). This variant is present in population databases (rs146219377, gnomAD 0.08%). This variant has not been reported in the literature in individuals affected with FANCF-related conditions. ClinVar contains an entry for this variant (Variation ID: 456284). Invitae Evidence Modeling of protein sequence and biophysical properties (such as structural, functional, and spatial information, amino acid conservation, physicochemical variation, residue mobility, and thermodynamic stability) indicates that this missense variant is not expected to disrupt FANCF protein function with a negative predictive value of 80%. In summary, the available evidence is currently insufficient to determine the role of this variant in disease. Therefore, it has been classified as a Variant of Uncertain Significance.

Blueprint Genetics
Classification: Likely benign. Last evaluated: 2024-07-23. Review status: criteria provided, single submitter. Criteria: ACMG Guidelines, 2015. Collection method: clinical testing. Allele origin: germline.

Institute for Clinical Genetics, University Hospital TU Dresden, University Hospital TU Dresden
Classification: Uncertain significance. Last evaluated: 2021-11-03. Review status: criteria provided, single submitter. Criteria: ACMG Guidelines, 2015. Collection method: clinical testing. Allele origin: germline.

Ambry Genetics
Classification: Likely benign for Inborn genetic diseases. Last evaluated: 2021-08-10. Review status: criteria provided, single submitter. Criteria: Ambry Variant Classification Scheme 2023. Collection method: clinical testing. Allele origin: germline.

GeneDx
Classification: Likely benign. Last evaluated: 2020-12-31. Review status: criteria provided, single submitter. Criteria: GeneDx Variant Classification Process June 2021. Collection method: clinical testing. Allele origin: germline. Affected: yes.
Comment: In silico analysis supports that this missense variant does not alter protein structure/function; Has not been previously published as pathogenic or benign to our knowledge

Genetic Services Laboratory, University of Chicago
Classification: Uncertain significance. Last evaluated: 2019-12-16. Review status: criteria provided, single submitter. Criteria: ACMG Guidelines, 2015. Collection method: clinical testing. Allele origin: germline. Affected: no.
Comment: DNA sequence analysis of the FANCF gene demonstrated a sequence change, c.573C>G, in exon 1 that results in an amino acid change, p.Ser191Arg. This sequence change does not appear to have been previously described in patients with FANCF-related disorders and has been described in the gnomAD database with a frequency of 0.085% in African populations (dbSNP rs146219377). The p.Ser191Arg change affects a poorly conserved amino acid residue located in a domain of the FANCF protein that is not known to be functional. The p.Ser191Arg substitution appears to be benign using several in-silico pathogenicity prediction tools (SIFT, PolyPhen2, Align GVGD, REVEL).

Fulgent Genetics
Classification: Uncertain significance for Fanconi anemia complementation group F. Last evaluated: 2018-10-31. Review status: criteria provided, single submitter. Criteria: ACMG Guidelines, 2015. Collection method: clinical testing. Allele origin: unknown.

NM_022725.4(FANCF):c.573C>G (p.Ser191Arg)

Gene: FANCF (FA complementation group F; minus strand). Cytogenetic location: 11p14.3.
Variant type: single nucleotide variant.
Coding change: c.573C>G on transcript NM_022725.4 (MANE Select); coding-DNA position 573, C replaced by G.
Protein change: p.Ser191Arg; replaces serine 191 with arginine.
Molecular consequence: missense variant.
Genome position (GRCh38, 1-based): chr11:22,625,238, G>C on the plus strand (C>G on the coding strand, the complement: FANCF is on the minus strand). VCF-style: chr11-22625238-G-C. GRCh37 (hg19) VCF-style: chr11-22646784-G-C.
Other names: short protein forms S191R.
Identifiers: ClinVar variation 456284 (VCV000456284.17), dbSNP rs146219377, ClinGen allele CA5924308.